The following is an entry in ClinVar:

NM_001267550.2(TTN):c.5829_5830delinsGT (p.Glu1944Ter)

Gene: TTN (titin; minus strand). Cytogenetic location: 2q31.2.
Variant type: Indel.
Coding change: c.5829_5830delinsGT on transcript NM_001267550.2 (MANE Select); coding-DNA positions 5829 to 5830, TG replaced by GT.
Protein change: p.Glu1944Ter; replaces glutamic acid 1944 with a stop codon.
Molecular consequence: nonsense.
Genome position (GRCh38, 1-based): chr2:178,776,034-178,776,035, CA replaced by AC on the plus strand (TG replaced by GT on the coding strand, the reverse complement: TTN is on the minus strand). VCF-style: chr2-178776034-CA-AC. GRCh37 (hg19) VCF-style: chr2-179640761-CA-AC.
Other names: c.5691_5692delinsGT, p.Glu1898Ter (NM_003319.4, NM_133432.3, NM_133437.4); c.5829_5830delinsGT, p.Glu1944Ter (NM_133378.4, NM_133379.5, NM_001256850.1); short protein forms E1898*, E1944*.
Identifiers: ClinVar variation 3066455 (VCV003066455.1), dbSNP rs2532849367, ClinGen allele CA2740098037.
Genomic context (GRCh38, chr2:178,776,034, plus strand): 5'-CTTTTTGTACTTCAAACTGAAGCTTTCCTGGTTCATGTACGTGAAACTCAGGCCTTGGTT[CA>AC]GGAGCTCTCCTAAGGACAGACCTAAAATCTTCCCTCTGTTGAATCTCAAGCTTCACTTTA-3'

ClinVar aggregate classification (germline): Likely pathogenic (1 of 4 stars; one submission).

Conditions:
Dilated cardiomyopathy 1G (CMD1G). Identifiers: Orphanet 154, MedGen C1858763, MONDO:0011400, OMIM 604145.

Submission:

KardioGenetik, Herz- und Diabeteszentrum NRW
Classification: Likely pathogenic for Dilated cardiomyopathy 1G. Last evaluated: 2024-03-12. Review status: criteria provided, single submitter. Criteria: ACMG Guidelines, 2015. Collection method: clinical testing. Allele origin: unknown. Affected: yes. Observed: 1 variant allele.
Comment: PVS1, PM2supp